The following is an entry in ClinVar:

NM_001009944.3(PKD1):c.11798_11810del (p.Leu3933fs)

Gene: PKD1 (polycystin 1, transient receptor potential channel interacting; minus strand). Cytogenetic location: 16p13.3.
Variant type: Deletion.
Coding change: c.11798_11810del on transcript NM_001009944.3 (MANE Select); coding-DNA positions 11798 to 11810, 13 bases deleted (TCGGAGCCTGGGC).
Protein change: p.Leu3933fs; shifts the reading frame from leucine 3933.
Molecular consequence: frameshift variant.
Genome position (GRCh38, 1-based): chr16:2,091,077-2,091,089, GCCCAGGCTCCGA deleted on the plus strand (TCGGAGCCTGGGC on the coding strand, the reverse complement: PKD1 is on the minus strand); deleting any 13 consecutive bases within chr16:2,091,077-2,091,092 gives the same sequence; the c. name uses the placement nearest the transcript's 3' end. VCF-style (leftmost placement, unchanged base first): chr16-2091076-CGCCCAGGCTCCGA-C. GRCh37 (hg19) VCF-style: chr16-2141077-CGCCCAGGCTCCGA-C.
Other names: c.11795_11807del, p.Leu3932fs (NM_000296.4); short protein forms L3933fs, L3932fs.
Identifiers: ClinVar variation 434005 (VCV000434005.3), dbSNP rs1555445192, ClinGen allele CA645373029.

ClinVar aggregate classification (germline): Pathogenic (0 of 4 stars; one submission).

Conditions:
Polycystic kidney disease. Also called: Kidney, Polycystic; Polycystic kidney dysplasia. Identifiers: MedGen C0022680, MeSH D007690, MONDO:0020642, HP:0000113.

Submission:

Department of Pathology and Laboratory Medicine, Sinai Health System
Classification: Pathogenic for Polycystic Kidney disease. Review status: no assertion criteria provided. Collection method: clinical testing. Allele origin: unknown. Affected: yes. Observed: 1 variant allele. Study: The Canadian Open Genetics Repository (COGR).
Comment: The PKD1 p.Leu3933ArgfsX8 variant was not identified in the literature nor was it identified in dbSNP, Clinvitae database, the ClinVar database, GeneInsight COGR database, ADPKD Mutation Database, PKD1-LOVD, PKD1-LOVD 3.0, 1000 Genomes Project, NHLBI GO Exome Sequencing Project (ESP) and the Exome Aggregation Consortium (ExAC) database (released Jan 13, 2015). The c.11798_11810del variant is predicted to cause a frameshift, which alters the protein amino acid sequence beginning at codon 3933 and leads to a premature stop codon 8 codons downstream in the 15th of 46 exons. This alteration is then predicted to result in a truncated or absent protein and loss of function. Loss of function variants of the PKD1 gene are an established mechanism of disease in autosomal dominant polycystic kidney disease and is the type of variant expected to cause the disorder. In summary, based on the above information, this variant meets our laboratoryâ€šÃ„Ã´s criteria to be classified as pathogenic.